The following is an entry in ClinVar:

ClinVar aggregate classification (germline): Pathogenic (1 of 4 stars; one submission).

Conditions:
Inborn genetic diseases. Identifiers: MedGen C0950123, MeSH D030342.

Submission:

Ambry Genetics
Classification: Pathogenic for Inborn genetic diseases. Last evaluated: 2025-04-03. Review status: criteria provided, single submitter. Criteria: Ambry Variant Classification Scheme 2023. Collection method: clinical testing. Allele origin: germline.
Comment: The c.2421delC (p.T808Pfs*82) alteration, located in exon 10 (coding exon 9) of the FAN1 gene, consists of a deletion of one nucleotide at position 2421, causing a translational frameshift with a predicted alternate stop codon after 82 amino acids. This alteration is expected to result in loss of function by premature protein truncation or nonsense-mediated mRNA decay. Based on data from gnomAD, the c.2421delC allele has an overall frequency of 0.001% (2/251342) total alleles studied. The highest observed frequency was 0.011% (2/18394) of East Asian alleles. Based on the available evidence, this alteration is classified as pathogenic.

NM_014967.5(FAN1):c.2421del (p.Thr808fs)

Genes: MTMR10 (myotubularin related protein 10; minus strand), FAN1 (FANCD2 and FANCI associated nuclease 1; plus strand). Cytogenetic location: 15q13.3.
Variant type: Deletion.
Coding change: c.2421del on transcript NM_014967.5 (MANE Select); coding-DNA position 2421, one base deleted (C; older notation c.2421delC).
Protein change: p.Thr808fs; shifts the reading frame from threonine 808.
Molecular consequence: frameshift variant.
Genome position (GRCh38, 1-based): chr15:30,925,872, C deleted; the last of 4 consecutive C bases (chr15:30,925,869-30,925,872); deleting any one gives the same sequence. VCF-style (leftmost placement, unchanged base first): chr15-30925868-AC-A. GRCh37 (hg19) VCF-style: chr15-31218071-AC-A.
Other names: short protein forms T808fs.
Identifiers: ClinVar variation 4022066 (VCV004022066.1).